The following is an entry in ClinVar:

ClinVar aggregate classification (germline): Pathogenic (1 of 4 stars; one submission).

Conditions:
Ehlers-Danlos syndrome, classic type, 1 (EDSCL1). Also called: Ehlers-Danlos syndrome, type 1; Ehlers-Danlos Syndrome, Classic Type, COL5A1-Related; EDS I; EHLERS-DANLOS SYNDROME, GRAVIS TYPE; EHLERS-DANLOS SYNDROME, SEVERE CLASSIC TYPE. Identifiers: MedGen C0268335, MONDO:0019567, OMIM 130000.

Submission:

Labcorp Genetics (formerly Invitae), Labcorp
Classification: Pathogenic for Ehlers-Danlos syndrome, classic type, 1. Last evaluated: 2019-03-23. Review status: criteria provided, single submitter. Criteria: Invitae Variant Classification Sherloc (09022015). Collection method: clinical testing. Allele origin: germline.
Comment: For these reasons, this variant has been classified as Pathogenic. Loss-of-function variants in COL5A1 are known to be pathogenic (PMID: 23587214). This variant has been observed in an individual affected with Ehlers-Danlos syndrome (PMID: 28714197). This variant is not present in population databases (ExAC no frequency). This sequence change creates a premature translational stop signal (p.Gln89*) in the COL5A1 gene. It is expected to result in an absent or disrupted protein product.

Literature cited by the submitters: PubMed 23587214; PubMed 28714197.

NM_000093.5(COL5A1):c.265C>T (p.Gln89Ter)

Gene: COL5A1 (collagen type V alpha 1 chain; plus strand). Cytogenetic location: 9q34.3.
Variant type: single nucleotide variant.
Coding change: c.265C>T on transcript NM_000093.5 (MANE Select); coding-DNA position 265, C replaced by T.
Protein change: p.Gln89Ter; replaces glutamine 89 with a stop codon.
Molecular consequence: nonsense.
Genome position (GRCh38, 1-based): chr9:134,691,067, C>T. VCF-style: chr9-134691067-C-T. GRCh37 (hg19) VCF-style: chr9-137582913-C-T.
Other names: c.265C>T, p.Gln89Ter (NM_001278074.1); short protein forms Q89*.
Identifiers: ClinVar variation 849026 (VCV000849026.11), dbSNP rs1833261804, ClinGen allele CA375440671.
Genomic context (GRCh38, chr9:134,691,067, plus strand): 5'-AAAGGCCCGGATGTCGCTTACAGAGTCACCAAAGACGCGCAGCTCAGCGCACCCACCAAG[C>T]AGCTGTACCCTGGTAAGTGCCGCACCCTTCTGTTTGGGGCGGTGGGTCCCGTTGGCCCTC-3'